The following is an entry in ClinVar:

NM_001081637.3(LILRB1):c.1879G>A (p.Glu627Lys)

Gene: LILRB1 (leukocyte immunoglobulin like receptor B1; plus strand). Cytogenetic location: 19q13.42.
Variant type: single nucleotide variant.
Coding change: c.1879G>A on transcript NM_001081637.3 (MANE Select); coding-DNA position 1879, G replaced by A.
Protein change: p.Glu627Lys; replaces glutamic acid 627 with lysine.
Molecular consequence: missense variant. On other transcripts: non-coding transcript variant (1).
Genome position (GRCh38, 1-based): chr19:54,636,798, G>A. VCF-style: chr19-54636798-G-A. GRCh37 (hg19) VCF-style: chr19-55148249-G-A.
Other names: c.1876G>A, p.Glu626Lys (NM_001081638.4, NM_001081639.4, NM_001388355.1 and 2 more transcripts); c.1825G>A, p.Glu609Lys (NM_001278398.2); c.1879G>A, p.Glu627Lys (NM_001388358.1); c.1873G>A, p.Glu625Lys (NM_006669.7); short protein forms E609K, E625K, E626K, E627K.
Identifiers: ClinVar variation 1175563 (VCV001175563.3), dbSNP rs16985478, ClinGen allele CA309765429.

ClinVar aggregate classification (germline): Benign. Review status: criteria provided, multiple submitters, no conflicts (2 of 4 stars). 2 submissions from 2 submitters: Benign (2). Last evaluated 2021-02-24.

Allele frequency attached by ClinVar (database versions not stated): 1000 Genomes Project 30x 0.08151; TOPMed 0.10423; gnomAD 0.10541 and 0.10658; gnomAD exomes 0.12435 and 0.13398; ExAC 0.12986.
gnomAD v4.1: 209,451 of 1,599,308 alleles (13%); highest among the groups gnomAD compares: Admixed American, 16%; 14,274 homozygotes.

Submissions (2):

GeneDx
Classification: Benign. Last evaluated: 2021-02-24. Review status: criteria provided, single submitter. Criteria: GeneDx Variant Classification Process June 2021. Collection method: clinical testing. Allele origin: germline. Affected: yes.
Comment: This variant is associated with the following publications: (PMID: 25855135)

Breakthrough Genomics
Classification: Benign. Review status: criteria provided, single submitter. Criteria: ACMG Guidelines, 2015. Collection method: not provided. Allele origin: germline. Inheritance: Unknown mechanism. Affected: yes.